The following is an entry in ClinVar:

NM_000208.4(INSR):c.1549G>A (p.Glu517Lys)

Gene: INSR (insulin receptor; minus strand). Cytogenetic location: 19p13.2.
Variant type: single nucleotide variant.
Coding change: c.1549G>A on transcript NM_000208.4 (MANE Select); coding-DNA position 1549, G replaced by A.
Protein change: p.Glu517Lys; replaces glutamic acid 517 with lysine.
Molecular consequence: missense variant.
Genome position (GRCh38, 1-based): chr19:7,168,029, C>T on the plus strand (G>A on the coding strand, the complement: INSR is on the minus strand). VCF-style: chr19-7168029-C-T. GRCh37 (hg19) VCF-style: chr19-7168040-C-T.
Other names: c.1549G>A, p.Glu517Lys (NM_001079817.3); short protein forms E517K.
Identifiers: ClinVar variation 2506616 (VCV002506616.1), dbSNP rs1973927709, ClinGen allele CA403666887.

ClinVar aggregate classification (germline): Uncertain significance (1 of 4 stars; one submission).

Allele frequency attached by ClinVar (database versions not stated): gnomAD exomes below 0.00001.
gnomAD v4.1: 1 of 1,613,980 alleles (0.000062%); no homozygotes.

Submission:

GeneDx
Classification: Uncertain significance. Last evaluated: 2022-12-21. Review status: criteria provided, single submitter. Criteria: GeneDx Variant Classification Process June 2021. Collection method: clinical testing. Allele origin: germline. Affected: yes.
Comment: Not observed at significant frequency in large population cohorts (gnomAD); In silico analysis supports that this missense variant does not alter protein structure/function; Has not been previously published as pathogenic or benign to our knowledge